The following is an entry in ClinVar:

NM_016239.4(MYO15A):c.4597-8G>A

Gene: MYO15A (myosin XVA; plus strand). Cytogenetic location: 17p11.2.
Variant type: single nucleotide variant.
Coding change: c.4597-8G>A on transcript NM_016239.4 (MANE Select); 8 bases into the intron before coding-DNA position 4597, G replaced by A.
Molecular consequence: intron variant.
Genome position (GRCh38, 1-based): chr17:18,136,409, G>A. VCF-style: chr17-18136409-G-A. GRCh37 (hg19) VCF-style: chr17-18039723-G-A.
Other names: c.4597-8G>A (NM_016239.3).
Identifiers: ClinVar variation 2694898 (VCV002694898.4), dbSNP rs781553845, ClinGen allele CA8423959.

ClinVar aggregate classification (germline): Likely benign. Review status: criteria provided, multiple submitters, no conflicts (2 of 4 stars). 2 submissions from 2 submitters: Likely benign (2). Last evaluated 2026-02-24.

Conditions:
MYO15A-related disorder. Also called: MYO15A-related condition.

Allele frequency attached by ClinVar (database versions not stated): ExAC 0.00007.

Submissions (2):

PreventionGenetics, part of Exact Sciences
Classification: Likely benign for MYO15A-related condition. Last evaluated: 2026-02-24. Review status: criteria provided, single submitter. Criteria: ACMG Guidelines, 2015. Collection method: clinical testing. Allele origin: germline.
Comment: This variant is classified as likely benign based on ACMG/AMP sequence variant interpretation guidelines (Richards et al. 2015 PMID: 25741868, with internal and published modifications).

Labcorp Genetics (formerly Invitae), Labcorp
Classification: Likely benign. Last evaluated: 2025-09-04. Review status: criteria provided, single submitter. Criteria: Invitae Variant Classification Sherloc (09022015). Collection method: clinical testing. Allele origin: germline.